The following is an entry in ClinVar:

NM_006371.5(CRTAP):c.471+2C>A

Gene: CRTAP (cartilage associated protein; plus strand). Cytogenetic location: 3p22.3.
Variant type: single nucleotide variant.
Coding change: c.471+2C>A on transcript NM_006371.5 (MANE Select); the canonical splice donor site of the intron after coding-DNA position 471, C replaced by A.
Molecular consequence: splice donor variant.
Genome position (GRCh38, 1-based): chr3:33,114,550, C>A. VCF-style: chr3-33114550-C-A. GRCh37 (hg19) VCF-style: chr3-33156042-C-A.
Other names: c.471+2C>A (NM_001393363.1, NM_001393364.1, NM_001393365.1).
Identifiers: ClinVar variation 208570 (VCV000208570.35), dbSNP rs137853943, ClinGen allele CA204553.

ClinVar aggregate classification (germline): Pathogenic/Likely pathogenic. Review status: criteria provided, multiple submitters, no conflicts (2 of 4 stars). 12 submissions from 12 submitters: Pathogenic (9); Likely pathogenic (2). 1 of the submissions does not count toward it. Last evaluated 2026-01-09.

Conditions:
CRTAP-related disorder. Also called: CRTAP-related condition.
Osteogenesis imperfecta (OI). Identifiers: Orphanet 666, MedGen C0029434, MeSH D010013, MONDO:0019019.
Osteogenesis imperfecta type 7 (OI7). Also called: OSTEOGENESIS IMPERFECTA, TYPE IIB; Osteogenesis imperfecta type 2B; OI type 2B; Osteogenesis imperfecta, perinatal lethal autosomal recessive; OI type IIB; OI type 7. Identifiers: MedGen C1853162, MONDO:0012536, OMIM 610682.

Allele frequency attached by ClinVar (database versions not stated): gnomAD exomes 0.00008; gnomAD 0.00010; TOPMed 0.00010; ExAC 0.00014.
gnomAD v4.1: 262 of 1,580,606 alleles (0.017%); highest among the groups gnomAD compares: Admixed American, 0.023%; no homozygotes.

Submissions (13):

Labcorp Genetics (formerly Invitae), Labcorp
Classification: Pathogenic for Osteogenesis imperfecta type 7. Last evaluated: 2026-01-09. Review status: criteria provided, single submitter. Criteria: Invitae Variant Classification Sherloc (09022015). Collection method: clinical testing. Allele origin: germline.
Comment: This sequence change affects a donor splice site in intron 1 of the CRTAP gene. It is expected to disrupt RNA splicing. Variants that disrupt the donor or acceptor splice site typically lead to a loss of protein function (PMID: 16199547), and loss-of-function variants in CRTAP are known to be pathogenic (PMID: 17055431, 19862557, 24715559). This variant is present in population databases (rs137853943, gnomAD 0.01%). Disruption of this splice site has been observed in individuals with osteogenesis imperfecta (PMID: 18996919, 19550437). ClinVar contains an entry for this variant (Variation ID: 208570). Algorithms developed to predict the effect of sequence changes on RNA splicing suggest that this variant may disrupt the consensus splice site. For these reasons, this variant has been classified as Pathogenic.

Variantyx, Inc.
Classification: Pathogenic for Osteogenesis imperfecta type 7. Last evaluated: 2025-08-06. Review status: criteria provided, single submitter. Criteria: Variantyx Assertion Criteria 2022. Collection method: clinical testing. Allele origin: germline. Inheritance: Autosomal recessive inheritance. Affected: no.
Comment: This is a canonical splicing variant in the CRTAP gene (OMIM: 605497). Pathogenic variants in this gene have been associated with autosomal recessive osteogenesis imperfecta, type VII. This splicing variant is expected to result in loss of function, which is a known disease mechanism for CRTAP in this disorder (PMID: 18996919, 19550437) (PVS1). The alteration has been identified in the homozygous or compound heterozygous state in at least 3 individuals reported in the published literature (PMID: 18996919, 19550437) and previous internal cases (PM3_Strong). It has a 0.0232% maximum allele frequency in non-founder control populations (PM2). Based on the current evidence, this variant is classified as pathogenic for autosomal recessive osteogenesis imperfecta, type VII.

GeneDx
Classification: Pathogenic. Last evaluated: 2025-03-26. Review status: criteria provided, single submitter. Criteria: GeneDx Variant Classification Process June 2021. Collection method: clinical testing. Allele origin: germline. Affected: yes.
Comment: Canonical splice site variant predicted to result in a null allele in a gene for which loss of function is a known mechanism of disease; This variant is associated with the following publications: (PMID: 19550437, 21239989, 31980526, 31589614, 18996919)

Women's Health and Genetics/Laboratory Corporation of America, LabCorp
Classification: Pathogenic for Osteogenesis imperfecta. Last evaluated: 2024-08-15. Review status: criteria provided, single submitter. Criteria: LabCorp Variant Classification Summary - May 2015. Collection method: clinical testing. Allele origin: germline.
Comment: Variant summary: CRTAP c.471+2C>A is located in a canonical splice-site and is predicted to affect mRNA splicing resulting in a significantly altered protein due to either exon skipping, shortening, or inclusion of intronic material. Variants that disrupt the consensus splice site are a relatively common cause of aberrant splicing and loss of CRTAP function. The variant allele was found at a frequency of 8.2e-05 in 182178 control chromosomes. This frequency is not significantly higher than estimated for a pathogenic variant in CRTAP causing Osteogenesis Imperfecta (8.2e-05 vs 0.0011), allowing no conclusion about variant significance. c.471+2C>A has been reported in the literature in multiple homozygous and compound heterozygous individuals affected with Osteogenesis Imperfecta (Bodian_2009, Van Dijk_2009). These data indicate that the variant is very likely to be associated with disease. To our knowledge, no experimental evidence demonstrating an impact on protein function has been reported. The following publications have been ascertained in the context of this evaluation (PMID: 18996919, 19550437). ClinVar contains an entry for this variant (Variation ID: 208570). Based on the evidence outlined above, the variant was classified as pathogenic.

Fulgent Genetics
Classification: Likely pathogenic for Osteogenesis imperfecta type 7. Last evaluated: 2024-01-09. Review status: criteria provided, single submitter. Criteria: ACMG Guidelines, 2015. Collection method: clinical testing. Allele origin: germline.

ARUP Laboratories, Molecular Genetics and Genomics, ARUP Laboratories
Classification: Pathogenic for Osteogenesis imperfecta type 7. Last evaluated: 2023-12-13. Review status: criteria provided, single submitter. Criteria: ARUP Molecular Germline Variant Investigation Process 2024. Collection method: clinical testing. Allele origin: germline.
Comment: The CRTAP c.471+2C>A variant (rs137853943) has been published in the homozygous and compound heterozygous state in individuals with osteogenesis imperfecta (Bodian 2009, Van Dijk 2009). The variant is reported as pathogenic or likely pathogenic in the ClinVar database (Variation ID: 208570) and is listed in the general population with an overall allele frequency of 0.008% (18/213,550 alleles) in the Genome Aggregation Database. This variant disrupts the canonical splice donor site of intron 1, which is likely to negatively impact gene function and one functional study supports this prediction (Van Dijk 2009). Based on available information, this variant is classified as pathogenic. References: Bodian DL et al. Mutation and polymorphism spectrum in osteogenesis imperfecta type II: implications for genotype-phenotype relationships. Hum Mol Genet. 2009 Feb 1;18(3):463-71. Van Dijk FS et al. CRTAP mutations in lethal and severe osteogenesis imperfecta: the importance of combining biochemical and molecular genetic analysis. Eur J Hum Genet. 2009 Dec;17(12):1560-9.

Laboratorio de Genetica e Diagnostico Molecular, Hospital Israelita Albert Einstein
Classification: Pathogenic for Osteogenesis imperfecta type 7. Last evaluated: 2022-04-08. Review status: criteria provided, single submitter. Criteria: ACMG Guidelines, 2015. Collection method: clinical testing. Allele origin: germline. Affected: yes. Observed: 1 variant allele.
Comment: ACMG classification criteria: PVS1 very strong, PS4 strong, PM2 moderated, PM3 moderated, PP1 supporting

Genome Diagnostics Laboratory, The Hospital for Sick Children
Classification: Pathogenic for Osteogenesis imperfecta. Last evaluated: 2019-12-01. Review status: criteria provided, single submitter. Criteria: ACMG Guidelines, 2015. Collection method: clinical testing. Allele origin: germline.

Illumina Laboratory Services, Illumina
Classification: Likely pathogenic for Osteogenesis imperfecta type 7. Last evaluated: 2018-11-12. Review status: criteria provided, single submitter. Criteria: ICSL Variant Classification Criteria 09 May 2019. Collection method: clinical testing. Allele origin: germline.
Comment: The CRTAP c.471+2C>A variant occurs in a canonical splice site (donor) and is therefore predicted to disrupt or distort the normal gene product. The c.471+2C>A variant has been reported two studies and is found in a total of five individuals with osteogenesis imperfecta, including in two in a homozygous state, and in three in a compound heterozygous state from the same family (Bodian et al. 2009; Van Dijk et al. 2009). Control data are unavailable for this variant, which is reported at a frequency of 0.0002 in the European (non-Finnish) population of the Exome Aggregation Consortium. Based on the evidence and due to the potential impact of splice donor variants, the c.471+2C>A variant is classified as likely pathogenic for osteogenesis imperfect. This variant was observed by ICSL as part of a predisposition screen in an ostensibly healthy population.

Laboratory for Molecular Medicine, Mass General Brigham Personalized Medicine
Classification: Pathogenic for Osteogenesis imperfecta type 7. Last evaluated: 2014-07-02. Review status: criteria provided, single submitter. Criteria: LMM Criteria. Collection method: clinical testing. Allele origin: germline. Inheritance: Autosomal recessive inheritance. Observed: 1 variant allele. Study: CSER-MedSeq.
Comment: The c.471+2C>A variant in CRTAP has been reported in 2 homozygous and 1 compound heterozygous individuals with Osteogenesis imperfecta type II (Bodian 2009, Van Dijk 2009) and was found to segregate with disease in 2 affected family members (Van Dijk 2009). Data from large population studies is insufficient to assess the frequency of this variant. This variant occurs in the +/- 1/2 region of the splice sequence and functional studies indicate this variant leads to aberrant splicing (Van Dijk 2009). In summary, this variant meets our criteria to be classified as pathogenic based upon the predicted impact to the protein, segregation studies, and functional evidence.

Department of Human Genetics, Medical Research Institute, Alexandria University
Classification: Pathogenic for Osteogenesis imperfecta type 7. Review status: criteria provided, single submitter. Criteria: ACMG Guidelines, 2015. Collection method: research. Allele origin: biparental. Inheritance: Autosomal recessive inheritance. Affected: yes.

PreventionGenetics, part of Exact Sciences
Classification: Pathogenic for CRTAP-related condition. Last evaluated: 2023-12-20. Review status: no assertion criteria provided. Collection method: clinical testing. Allele origin: germline. Not counted in ClinVar's aggregate classification.
Comment: The CRTAP c.471+2C>A variant is predicted to interfere with splicing. This variant was also reported in the compound heterozygous state in another patient with osteogenesis imperfecta, and RNA study suggested this variant affected splicing (Van Dijk et al. 2009. PubMed ID: 19550437)This variant is reported in 0.017% of alleles in individuals of Latino descent in gnomAD. This variant is interpreted as pathogenic.

Dr. Peter K. Rogan Lab, Western University
No classification provided (evidence only). Condition: Hepatocellular carcinoma. Review status: no classification provided. Collection method: in vitro. Allele origin: not applicable. Functional consequence: retained intron. Not counted in ClinVar's aggregate classification.

Literature cited by the submitters: PubMed 16199547 (cited by Labcorp Genetics (formerly Invitae), Labcorp); PubMed 17055431 (cited by Labcorp Genetics (formerly Invitae), Labcorp); PubMed 19862557 (cited by Labcorp Genetics (formerly Invitae), Labcorp); PubMed 24715559 (cited by Labcorp Genetics (formerly Invitae), Labcorp); PubMed 18996919 (cited by 5 submitters); PubMed 19550437 (cited by 5 submitters).